The following is an entry in ClinVar:

ClinVar aggregate classification (germline): Uncertain significance (1 of 4 stars; one submission).

Allele frequency attached by ClinVar (database versions not stated): gnomAD 0.00031 and 0.00036; gnomAD exomes 0.00031 and 0.00034; TOPMed 0.00031; ExAC 0.00039; ESP Exome Variant Server 0.00046; 1000 Genomes Project 30x 0.00078; 1000 Genomes Project 0.00080.

Submission:

Labcorp Genetics (formerly Invitae), Labcorp
Classification: Uncertain significance. Last evaluated: 2025-01-16. Review status: criteria provided, single submitter. Criteria: Invitae Variant Classification Sherloc (09022015). Collection method: clinical testing. Allele origin: germline.
Comment: This sequence change replaces glycine, which is neutral and non-polar, with serine, which is neutral and polar, at codon 181 of the C17orf62 protein (p.Gly181Ser). This variant is present in population databases (rs141845593, gnomAD 0.04%). This variant has not been reported in the literature in individuals affected with C17orf62-related conditions. ClinVar contains an entry for this variant (Variation ID: 1682688). An algorithm developed to predict the effect of missense changes on protein structure and function (PolyPhen-2) suggests that this variant¬†is likely to be tolerated. In summary, the available evidence is currently insufficient to determine the role of this variant in disease. Therefore, it has been classified as a Variant of Uncertain Significance.

NM_001033046.4(CYBC1):c.541G>A (p.Gly181Ser)

Gene: CYBC1 (cytochrome b-245 chaperone 1; minus strand). Cytogenetic location: 17q25.3.
Variant type: single nucleotide variant.
Coding change: c.541G>A on transcript NM_001033046.4 (MANE Select); coding-DNA position 541, G replaced by A.
Protein change: p.Gly181Ser; replaces glycine 181 with serine.
Molecular consequence: missense variant. On other transcripts: non-coding transcript variant (4).
Genome position (GRCh38, 1-based): chr17:82,444,027, C>T on the plus strand (G>A on the coding strand, the complement: CYBC1 is on the minus strand). VCF-style: chr17-82444027-C-T. GRCh37 (hg19) VCF-style: chr17-80401903-C-T.
Other names: c.541G>A, p.Gly181Ser (NM_001100407.3, NM_001193653.2, NM_001193654.2 and 2 more transcripts); c.499G>A, p.Gly167Ser (NM_001100408.3); short protein forms G167S, G181S.
Identifiers: ClinVar variation 1682688 (VCV001682688.4), dbSNP rs141845593, ClinGen allele CA8858148.